The following is an entry in ClinVar:

ClinVar aggregate classification (germline): Benign/Likely benign. Review status: criteria provided, multiple submitters, no conflicts (2 of 4 stars). 6 submissions from 6 submitters: Benign (4); Likely benign (1). 1 of the submissions does not count toward it. Last evaluated 2026-02-04.

Conditions:
DNASE1L3-related disorder. Also called: DNASE1L3-related condition.

Allele frequency attached by ClinVar (database versions not stated): gnomAD exomes 0.09050; 1000 Genomes Project 0.11162; 1000 Genomes Project 30x 0.11602; gnomAD 0.12926 and 0.13563; TOPMed 0.13646; ESP Exome Variant Server 0.14657.
gnomAD v4.1: 151,677 of 1,613,570 alleles (9.4%); highest among the groups gnomAD compares: African/African-American, 25%; 8,704 homozygotes.

Submissions (6):

Labcorp Genetics (formerly Invitae), Labcorp
Classification: Benign. Last evaluated: 2026-02-04. Review status: criteria provided, single submitter. Criteria: Invitae Variant Classification Sherloc (09022015). Collection method: clinical testing. Allele origin: germline.

Women's Health and Genetics/Laboratory Corporation of America, LabCorp
Classification: Benign. Last evaluated: 2026-01-21. Review status: criteria provided, single submitter. Criteria: LabCorp Variant Classification Summary - May 2015. Collection method: clinical testing. Allele origin: germline.

Blueprint Genetics
Classification: Likely benign. Last evaluated: 2024-11-26. Review status: criteria provided, single submitter. Criteria: ACMG Guidelines, 2015. Collection method: clinical testing. Allele origin: germline.

Mayo Clinic Laboratories, Mayo Clinic
Classification: Benign. Last evaluated: 2022-09-06. Review status: criteria provided, single submitter. Criteria: ACMG Guidelines, 2015. Collection method: clinical testing. Allele origin: germline. Observed: 86 variant alleles.

Breakthrough Genomics
Classification: Benign. Review status: criteria provided, single submitter. Criteria: ACMG Guidelines, 2015. Collection method: not provided. Allele origin: germline. Inheritance: Autosomal recessive inheritance. Affected: yes.

PreventionGenetics, part of Exact Sciences
Classification: Benign for DNASE1L3-related condition. Last evaluated: 2019-11-25. Review status: no assertion criteria provided. Collection method: clinical testing. Allele origin: germline. Not counted in ClinVar's aggregate classification.
Comment: This variant is classified as benign based on ACMG/AMP sequence variant interpretation guidelines (Richards et al. 2015 PMID: 25741868, with internal and published modifications).

NM_004944.4(DNASE1L3):c.276G>C (p.Arg92=)

Gene: DNASE1L3 (deoxyribonuclease 1L3; minus strand). Cytogenetic location: 3p14.3.
Variant type: single nucleotide variant.
Coding change: c.276G>C on transcript NM_004944.4 (MANE Select); coding-DNA position 276, G replaced by C.
Protein change: p.Arg92=; no amino-acid change (arginine 92 retained).
Molecular consequence: synonymous variant. On other transcripts: intron variant (1).
Genome position (GRCh38, 1-based): chr3:58,205,515, C>G on the plus strand (G>C on the coding strand, the complement: DNASE1L3 is on the minus strand). VCF-style: chr3-58205515-C-G. GRCh37 (hg19) VCF-style: chr3-58191242-C-G.
Other names: p.Arg92=; c.231-634G>C (NM_001256560.2); c.276G>C (NM_004944.3).
Identifiers: ClinVar variation 1168033 (VCV001168033.13), dbSNP rs17058970, ClinGen allele CA2470059.
Genomic context (GRCh38, chr3:58,205,515, plus strand): 5'-CATAGGTGATACTTACTTGTAGAGAAAGGCATATTGTTCTTTATATGTGTTTCTTCCAAG[C>G]CGAGAGCTAATCACATAGTTGTACGTTATGCCTCTCCTTGAATTTCTAGAAAACAAAGAT-3'
Protein context (NP_004935.1, residues 82-102): GITYNYVISS[Arg92=]LGRNTYKEQY